The following is an entry in ClinVar:

ClinVar aggregate classification (germline): Uncertain significance. Review status: criteria provided, single submitter (1 of 4 stars). 2 submissions from 2 submitters: Uncertain significance (1). 1 of the submissions does not count toward it. Last evaluated 2025-10-17.

Conditions:
Amyotrophic lateral sclerosis type 6. Also called: AMYOTROPHIC LATERAL SCLEROSIS 6 WITHOUT FRONTOTEMPORAL DEMENTIA; Amyotrophic lateral sclerosis 6, with or without frontotemporal dementia; FUS-Related Amyotrophic Laterial Sclerosis. Identifiers: Orphanet 275872, Orphanet 803, MedGen C2931786, MONDO:0011951, OMIM 608030.
Tremor, hereditary essential, 4 (ETM4). Identifiers: MedGen C3539195, MONDO:0013888, OMIM 614782.

Submissions (2):

Labcorp Genetics (formerly Invitae), Labcorp
Classification: Uncertain significance for Tremor, hereditary essential, 4; Amyotrophic lateral sclerosis type 6. Last evaluated: 2025-10-17. Review status: criteria provided, single submitter. Criteria: Invitae Variant Classification Sherloc (09022015). Collection method: clinical testing. Allele origin: germline.
Comment: This sequence change replaces arginine, which is basic and polar, with tryptophan, which is neutral and slightly polar, at codon 524 of the FUS protein (p.Arg524Trp). This variant is present in population databases (rs267606833, gnomAD 0.0009%). This missense change has been observed in individuals with amyotrophic lateral sclerosis (PMID: 20385912; internal data). ClinVar contains an entry for this variant (Variation ID: 16228). An algorithm developed to predict the effect of missense changes on protein structure and function (PolyPhen-2) suggests that this variant is likely to be disruptive. This variant disrupts the p.Arg524 amino acid residue in FUS. Other variant(s) that disrupt this residue have been observed in individuals with FUS-related conditions (PMID: 19251627, 25681989, 29525178), which suggests that this may be a clinically significant amino acid residue. In summary, the available evidence is currently insufficient to determine the role of this variant in disease. Therefore, it has been classified as a Variant of Uncertain Significance.

OMIM
Classification: Pathogenic for AMYOTROPHIC LATERAL SCLEROSIS 6 WITHOUT FRONTOTEMPORAL DEMENTIA. Last evaluated: 2010-04-01. Review status: no assertion criteria provided. Collection method: literature only. Allele origin: germline. Not counted in ClinVar's aggregate classification.

Literature cited by the submitters: PubMed 20385912 (cited by Labcorp Genetics (formerly Invitae), Labcorp and OMIM); PubMed 19251627 (cited by Labcorp Genetics (formerly Invitae), Labcorp); PubMed 25681989 (cited by Labcorp Genetics (formerly Invitae), Labcorp); PubMed 29525178 (cited by Labcorp Genetics (formerly Invitae), Labcorp).

NM_004960.4(FUS):c.1570A>T (p.Arg524Trp)

Gene: FUS (FUS RNA binding protein; plus strand). Cytogenetic location: 16p11.2.
Variant type: single nucleotide variant.
Coding change: c.1570A>T on transcript NM_004960.4 (MANE Select); coding-DNA position 1570, A replaced by T.
Protein change: p.Arg524Trp; replaces arginine 524 with tryptophan.
Molecular consequence: missense variant. On other transcripts: non-coding transcript variant (1).
Genome position (GRCh38, 1-based): chr16:31,191,427, A>T. VCF-style: chr16-31191427-A-T. GRCh37 (hg19) VCF-style: chr16-31202748-A-T.
Other names: c.1567A>T, p.Arg523Trp (NM_001170634.1); c.1558A>T, p.Arg520Trp (NM_001170937.1); short protein forms R524W, R520W, R523W.
Identifiers: ClinVar variation 16228 (VCV000016228.10), dbSNP rs267606833, ClinGen allele CA257447.
Genomic context (GRCh38, chr16:31,191,427, plus strand): 5'-TGGATACTTAATTTTTTTTTTTTTTTTTGCAGGGGTGAGCACAGACAGGATCGCAGGGAG[A>T]GGCCGTATTAATTAGCCTGGCTCCCCAGGTTCTGGAACAGCTTTTTGTCCTGTACCCAGT-3'
Protein context (NP_004951.1, residues 514-526): RGEHRQDRRE[Arg524Trp]PY